The following is an entry in ClinVar:

ClinVar aggregate classification (germline): Uncertain significance (1 of 4 stars; one submission).

Conditions:
CEP164-related disorder. Also called: CEP164-related condition.

Submission:

PreventionGenetics, part of Exact Sciences
Classification: Uncertain significance for CEP164-related condition. Last evaluated: 2025-12-17. Review status: criteria provided, single submitter. Criteria: ACMG Guidelines, 2015. Collection method: clinical testing. Allele origin: germline.
Comment: The CEP164 c.2120A>C variant is predicted to result in the amino acid substitution p.Gln707Pro. To our knowledge, this variant has not been reported in the literature or in a large population database (gnomAD), indicating this variant is rare. At this time, the clinical significance of this variant is uncertain due to the absence of conclusive functional and genetic evidence.

NM_014956.5(CEP164):c.2120A>C (p.Gln707Pro)

Gene: CEP164 (centrosomal protein 164; plus strand). Cytogenetic location: 11q23.3.
Variant type: single nucleotide variant.
Coding change: c.2120A>C on transcript NM_014956.5 (MANE Select); coding-DNA position 2120, A replaced by C.
Protein change: p.Gln707Pro; replaces glutamine 707 with proline.
Molecular consequence: missense variant.
Genome position (GRCh38, 1-based): chr11:117,391,052, A>C. VCF-style: chr11-117391052-A-C. GRCh37 (hg19) VCF-style: chr11-117261768-A-C.
Other names: c.2129A>C, p.Gln710Pro (NM_001271933.2, NM_001440949.1); c.2120A>C, p.Gln707Pro (NM_001440950.1, NM_001440951.1, NM_001440953.1); c.1955A>C, p.Gln652Pro (NM_001440952.1, NM_001440968.1, NM_001440969.1); c.2042A>C, p.Gln681Pro (NM_001440954.1, NM_001440955.1, NM_001440958.1 and 1 more transcripts); c.2033A>C, p.Gln678Pro (NM_001440956.1, NM_001440957.1); c.1991A>C, p.Gln664Pro (NM_001440960.1); c.1982A>C, p.Gln661Pro (NM_001440961.1, NM_001440967.1); c.1973A>C, p.Gln658Pro (NM_001440962.1, NM_001440963.1, NM_001440964.1 and 4 more transcripts); and 7 more; short protein forms Q611P, Q632P, Q710P, Q654P, Q678P, Q681P, Q661P, Q707P.
Identifiers: ClinVar variation 4988402 (VCV004988402.1).